The following is an entry in ClinVar:

NM_022455.5(NSD1):c.4765G>C (p.Gly1589Arg)

Gene: NSD1 (nuclear receptor binding SET domain protein 1; plus strand). Cytogenetic location: 5q35.3.
Variant type: single nucleotide variant.
Coding change: c.4765G>C on transcript NM_022455.5 (MANE Select); coding-DNA position 4765, G replaced by C.
Protein change: p.Gly1589Arg; replaces glycine 1589 with arginine.
Molecular consequence: missense variant.
Genome position (GRCh38, 1-based): chr5:177,251,853, G>C. VCF-style: chr5-177251853-G-C. GRCh37 (hg19) VCF-style: chr5-176678854-G-C.
Other names: NC_000005.9:g.176678854G>C; c.3892G>C, p.Gly1298Arg (NM_001365684.2, NM_001409308.1, NM_001409309.1 and 1 more transcripts); c.4765G>C, p.Gly1589Arg (NM_001409301.1, NM_001409302.1, NM_001409303.1); c.4345G>C, p.Gly1449Arg (NM_001409304.1); c.4012G>C, p.Gly1338Arg (NM_001409305.1); c.3892G>C, p.Glu1298Gln (NM_001409306.1, NM_001409307.1); short protein forms G1298R, E1298Q, G1338R, G1589R, G1449R.
Identifiers: ClinVar variation 4314447 (VCV004314447.2).

ClinVar aggregate classification (germline): Likely pathogenic (1 of 4 stars; one submission).

Conditions:
Sotos syndrome (SOTOS). Also called: CEREBRAL GIGANTISM; Sotos' syndrome; Distinctive facial appearance, overgrowth in childhood, and learning disabilities or delayed development; SOTOS SYNDROME 1; CHROMOSOME 5q35 DELETION SYNDROME. Identifiers: Orphanet 821, MedGen C0175695, MONDO:0019349, OMIM 117550.

Submissions (2):

Victorian Clinical Genetics Services, Murdoch Childrens Research Institute
Classification: Likely pathogenic for Sotos syndrome. Last evaluated: 2024-10-07. Review status: criteria provided, single submitter. Criteria: ACMG Guidelines, 2015. Collection method: clinical testing. Allele origin: germline. Affected: yes.
Comment: This variant is classified as Likely pathogenic. Evidence in support of pathogenic classification: Variant is absent from gnomAD (v2, v3 and v4); Missense variant predicted to be damaging by an in silico tool or highly conserved with a major amino acid change. Abnormal splicing is predicted by an in silico tool with high nucleotide conservation; Additional information: Variant is predicted to result in a missense amino acid change from glycine to arginine. This variant is located at the last nucleotide of the exon and therefore, is part of the non-canonical splice region; This variant is heterozygous; This gene is associated with autosomal dominant disease; This variant has no previous evidence of pathogenicity; No published segregation evidence has been identified for this variant; No published functional evidence has been identified for this variant; No comparable missense variants have previous evidence for pathogenicity; Variant is located in the annotated histone-lysine N-methyltransferase NSD-like, PHD zinc finger domain (DECIPHER); Loss of function is a known mechanism of disease in this gene and is associated with Sotos syndrome (MIM#117550).

Dr. Peter K. Rogan Lab, Western University
No classification provided (evidence only). Condition: Thyroid cancer, nonmedullary, 1. Review status: no classification provided. Collection method: in vitro. Allele origin: not applicable. Functional consequence: retained intron. Not counted in ClinVar's aggregate classification.